The following is an entry in ClinVar:

NM_001379500.1(COL18A1):c.994C>T (p.Arg332Cys)

Gene: COL18A1 (collagen type XVIII alpha 1 chain; plus strand). Cytogenetic location: 21q22.3.
Variant type: single nucleotide variant.
Coding change: c.994C>T on transcript NM_001379500.1 (MANE Select); coding-DNA position 994, C replaced by T.
Protein change: p.Arg332Cys; replaces arginine 332 with cysteine.
Molecular consequence: missense variant.
Genome position (GRCh38, 1-based): chr21:45,477,476, C>T. VCF-style: chr21-45477476-C-T. GRCh37 (hg19) VCF-style: chr21-46897390-C-T.
Other names: c.1534C>T, p.Arg512Cys (NM_030582.4); c.2239C>T, p.Arg747Cys (NM_130444.3); short protein forms R332C, R512C, R747C.
Identifiers: ClinVar variation 1493176 (VCV001493176.3), dbSNP rs759096913, ClinGen allele CA10066040.

ClinVar aggregate classification (germline): Uncertain significance (1 of 4 stars; one submission).

Allele frequency attached by ClinVar (database versions not stated): gnomAD 0.00001; TOPMed 0.00001; ExAC 0.00002; gnomAD exomes 0.00002.
gnomAD v4.1: 11 of 1,610,598 alleles (0.00068%); highest among the groups gnomAD compares: African/African-American, 0.0027%; no homozygotes.

Submission:

Labcorp Genetics (formerly Invitae), Labcorp
Classification: Uncertain significance. Last evaluated: 2022-08-22. Review status: criteria provided, single submitter. Criteria: Invitae Variant Classification Sherloc (09022015). Collection method: clinical testing. Allele origin: germline.
Comment: This sequence change replaces arginine, which is basic and polar, with cysteine, which is neutral and slightly polar, at codon 332 of the COL18A1 protein (p.Arg332Cys). This variant is present in population databases (rs759096913, gnomAD 0.01%). This variant has not been reported in the literature in individuals affected with COL18A1-related conditions. ClinVar contains an entry for this variant (Variation ID: 1493176). Experimental studies and prediction algorithms are not available or were not evaluated, and the functional significance of this variant is currently unknown. In summary, the available evidence is currently insufficient to determine the role of this variant in disease. Therefore, it has been classified as a Variant of Uncertain Significance.